The following is an entry in ClinVar:

NM_031443.4(CCM2):c.958G>T (p.Ala320Ser)

Gene: CCM2 (CCM2 scaffold protein; plus strand). Cytogenetic location: 7p13.
Variant type: single nucleotide variant.
Coding change: c.958G>T on transcript NM_031443.4 (MANE Select); coding-DNA position 958, G replaced by T.
Protein change: p.Ala320Ser; replaces alanine 320 with serine.
Molecular consequence: missense variant. On other transcripts: non-coding transcript variant (1).
Genome position (GRCh38, 1-based): chr7:45,074,312, G>T. VCF-style: chr7-45074312-G-T. GRCh37 (hg19) VCF-style: chr7-45113911-G-T.
Other names: c.1021G>T, p.Ala341Ser (NM_001029835.2); c.784G>T, p.Ala262Ser (NM_001167934.2); c.685G>T, p.Ala229Ser (NM_001167935.2); c.1081G>T, p.Ala361Ser (NM_001363458.2); c.907G>T, p.Ala303Ser (NM_001363459.2); short protein forms A229S, A262S, A303S, A320S, A341S, A361S.
Identifiers: ClinVar variation 2200407 (VCV002200407.4), dbSNP rs2486175296, ClinGen allele CA367431286.

ClinVar aggregate classification (germline): Uncertain significance (1 of 4 stars; one submission).

Conditions:
Cerebral cavernous malformation 2. Also called: Familial Cerebral Cavernous Malformation 2. Identifiers: Orphanet 221061, MedGen C1864041, MONDO:0011304, OMIM 603284.

Allele frequency attached by ClinVar (database versions not stated): gnomAD exomes below 0.00001.
gnomAD v4.1: 2 of 1,613,766 alleles (0.00012%); highest among the groups gnomAD compares: Non-Finnish European, 0.00017%; no homozygotes.

Submission:

Labcorp Genetics (formerly Invitae), Labcorp
Classification: Uncertain significance for Cerebral cavernous malformation 2. Last evaluated: 2022-06-22. Review status: criteria provided, single submitter. Criteria: Invitae Variant Classification Sherloc (09022015). Collection method: clinical testing. Allele origin: germline.
Comment: In summary, the available evidence is currently insufficient to determine the role of this variant in disease. Therefore, it has been classified as a Variant of Uncertain Significance. This sequence change replaces alanine, which is neutral and non-polar, with serine, which is neutral and polar, at codon 320 of the CCM2 protein (p.Ala320Ser). This variant is not present in population databases (gnomAD no frequency). This variant has not been reported in the literature in individuals affected with CCM2-related conditions. Algorithms developed to predict the effect of missense changes on protein structure and function (SIFT, PolyPhen-2, Align-GVGD) all suggest that this variant is likely to be tolerated.